The following is an entry in ClinVar:

ClinVar aggregate classification (germline): Uncertain significance (1 of 4 stars; one submission).

Conditions:
MHC class I deficiency. Identifiers: Orphanet 34592, MedGen C6024714, MONDO:0011476.

Submission:

Labcorp Genetics (formerly Invitae), Labcorp
Classification: Uncertain significance for MHC class I deficiency 1. Last evaluated: 2025-03-13. Review status: criteria provided, single submitter. Criteria: Invitae Variant Classification Sherloc (09022015). Collection method: clinical testing. Allele origin: germline.
Comment: This sequence change replaces methionine, which is neutral and non-polar, with leucine, which is neutral and non-polar, at codon 391 of the TAP2 protein (p.Met391Leu). This variant is not present in population databases (gnomAD no frequency). This variant has not been reported in the literature in individuals affected with TAP2-related conditions. An algorithm developed to predict the effect of missense changes on protein structure and function outputs the following: PolyPhen-2: "Not Available". The leucine amino acid residue is found in multiple mammalian species, which suggests that this missense change does not adversely affect protein function. In summary, the available evidence is currently insufficient to determine the role of this variant in disease. Therefore, it has been classified as a Variant of Uncertain Significance.

NM_001290043.2(TAP2):c.1171A>C (p.Met391Leu)

Gene: TAP2 (transporter 2, ATP binding cassette subfamily B member; minus strand). Cytogenetic location: 6p21.32.
Variant type: single nucleotide variant.
Coding change: c.1171A>C on transcript NM_001290043.2 (MANE Select); coding-DNA position 1171, A replaced by C.
Protein change: p.Met391Leu; replaces methionine 391 with leucine.
Molecular consequence: missense variant.
Genome position (GRCh38, 1-based): chr6:32,832,434, T>G on the plus strand (A>C on the coding strand, the complement: TAP2 is on the minus strand). VCF-style: chr6-32832434-T-G. GRCh37 (hg19) VCF-style: chr6-32800211-T-G.
Other names: c.1171A>C, p.Met391Leu (NM_018833.3); short protein forms M391L.
Identifiers: ClinVar variation 3727127 (VCV003727127.2).